The following is an entry in ClinVar:

NM_000039.3(APOA1):c.146G>A (p.Ser49Asn)

Genes: APOA1 (apolipoprotein A1; minus strand), APOA1-AS (APOA1 antisense RNA; plus strand). Cytogenetic location: 11q23.3.
Variant type: single nucleotide variant.
Coding change: c.146G>A on transcript NM_000039.3 (MANE Select); coding-DNA position 146, G replaced by A.
Protein change: p.Ser49Asn; replaces serine 49 with asparagine.
Molecular consequence: missense variant. On other transcripts: 5 prime UTR variant (2), intron variant (1).
Genome position (GRCh38, 1-based): chr11:116,837,055, C>T on the plus strand (G>A on the coding strand, the complement: APOA1 is on the minus strand). VCF-style: chr11-116837055-C-T. GRCh37 (hg19) VCF-style: chr11-116707771-C-T.
Other names: c.146G>A, p.Ser49Asn (NM_001318017.2, NM_001318018.2, NM_001425090.1 and 1 more transcripts); c.-182G>A (NM_001318021.2, NM_001425092.1); c.-128+290G>A (NM_001425091.1); short protein forms S49N.
Identifiers: ClinVar variation 4764242 (VCV004764242.1).
Genomic context (GRCh38, chr11:116,837,055, plus strand): 5'-CCTTACTTTAGCTGTTTTCCCAAGGCGGAGCCTTCAAACTGGGACACATAGTCTCTGCCG[C>T]TGTCTTTGAGCACATCCACGTACACAGTGGCCAGGTCCTTCACTCGATCCCAGGGGCTCT-3'
Protein context (NP_000030.1, residues 39-59): ATVYVDVLKD[Ser49Asn]GRDYVSQFEG

ClinVar aggregate classification (germline): Uncertain significance (1 of 4 stars; one submission).

Submission:

Labcorp Genetics (formerly Invitae), Labcorp
Classification: Uncertain significance. Last evaluated: 2025-03-14. Review status: criteria provided, single submitter. Criteria: Invitae Variant Classification Sherloc (09022015). Collection method: clinical testing. Allele origin: germline.
Comment: This sequence change replaces serine, which is neutral and polar, with asparagine, which is neutral and polar, at codon 49 of the APOA1 protein (p.Ser49Asn). This variant is present in population databases (no rsID available, gnomAD 0.01%). This variant has not been reported in the literature in individuals affected with APOA1-related conditions. Invitae Evidence Modeling of protein sequence and biophysical properties (such as structural, functional, and spatial information, amino acid conservation, physicochemical variation, residue mobility, and thermodynamic stability) has been performed for this missense variant. However, the output from this modeling did not meet the statistical confidence thresholds required to predict the impact of this variant on APOA1 protein function. In summary, the available evidence is currently insufficient to determine the role of this variant in disease. Therefore, it has been classified as a Variant of Uncertain Significance.